The following is an entry in ClinVar:

NM_000245.4(MET):c.3960G>A (p.Trp1320Ter)

Gene: MET (MET proto-oncogene, receptor tyrosine kinase; plus strand). Cytogenetic location: 7q31.2.
Variant type: single nucleotide variant.
Coding change: c.3960G>A on transcript NM_000245.4 (MANE Select); coding-DNA position 3960, G replaced by A.
Protein change: p.Trp1320Ter; replaces tryptophan 1320 with a stop codon.
Molecular consequence: nonsense.
Genome position (GRCh38, 1-based): chr7:116,795,911, G>A. VCF-style: chr7-116795911-G-A. GRCh37 (hg19) VCF-style: chr7-116435965-G-A.
Other names: c.4014G>A, p.Trp1338Ter (NM_001127500.3); c.2670G>A, p.Trp890Ter (NM_001324402.2); short protein forms W1320*, W890*, W1338*.
Identifiers: ClinVar variation 853485 (VCV000853485.12), dbSNP rs1174194833, ClinGen allele CA369118100.

ClinVar aggregate classification (germline): Conflicting classifications of pathogenicity. Review status: criteria provided, conflicting classifications (1 of 4 stars). 2 submissions from 2 submitters: Uncertain significance (1); Likely benign (1). Last evaluated 2026-08-25.

Conditions:
Renal cell carcinoma. Identifiers: Orphanet 217071, MedGen C0007134, MeSH D002292, MONDO:0005086, HP:0005584.
Hereditary cancer-predisposing syndrome. Also called: Tumor predisposition; Hereditary neoplastic syndrome; Neoplastic Syndromes, Hereditary; Hereditary Cancer Syndrome. Identifiers: Orphanet 140162, MedGen C0027672, MeSH D009386, MONDO:0015356.

Allele frequency attached by ClinVar (database versions not stated): gnomAD 0.00001; TOPMed below 0.00001; gnomAD exomes 0.00001.
gnomAD v4.1: 11 of 1,614,016 alleles (0.00068%); highest among the groups gnomAD compares: Non-Finnish European, 0.00093%; no homozygotes.

Submissions (2):

Ambry Genetics
Classification: Likely benign for Hereditary cancer-predisposing syndrome. Last evaluated: 2026-08-25. Review status: criteria provided, single submitter. Criteria: Ambry Variant Classification Scheme 2023. Collection method: clinical testing. Allele origin: germline.

Labcorp Genetics (formerly Invitae), Labcorp
Classification: Uncertain significance for Renal cell carcinoma. Last evaluated: 2025-11-24. Review status: criteria provided, single submitter. Criteria: Invitae Variant Classification Sherloc (09022015). Collection method: clinical testing. Allele origin: germline.
Comment: This sequence change creates a premature translational stop signal (p.Trp1338*) in the MET gene. While this is not anticipated to result in nonsense mediated decay, it is expected to disrupt the last 71 amino acid(s) of the MET protein. This variant is present in population databases (no rsID available, gnomAD 0.003%). This variant has not been reported in the literature in individuals affected with MET-related conditions. ClinVar contains an entry for this variant (Variation ID: 853485). Experimental studies and prediction algorithms are not available or were not evaluated, and the functional significance of this variant is currently unknown. In summary, the available evidence is currently insufficient to determine the role of this variant in disease. Therefore, it has been classified as a Variant of Uncertain Significance.